The following is an entry in ClinVar:

NM_003801.4(GPAA1):c.643C>T (p.Arg215Ter)

Gene: GPAA1 (glycosylphosphatidylinositol anchor attachment 1; plus strand). Cytogenetic location: 8q24.3.
Variant type: single nucleotide variant.
Coding change: c.643C>T on transcript NM_003801.4 (MANE Select); coding-DNA position 643, C replaced by T.
Protein change: p.Arg215Ter; replaces arginine 215 with a stop codon.
Molecular consequence: nonsense.
Genome position (GRCh38, 1-based): chr8:144,084,160, C>T. VCF-style: chr8-144084160-C-T. GRCh37 (hg19) VCF-style: chr8-145139063-C-T.
Other names: short protein forms R215*.
Identifiers: ClinVar variation 1324501 (VCV001324501.11), dbSNP rs782498857, ClinGen allele CA4932896.

ClinVar aggregate classification (germline): Pathogenic/Likely pathogenic. Review status: criteria provided, multiple submitters, no conflicts (2 of 4 stars). 4 submissions from 4 submitters: Pathogenic (2); Likely pathogenic (2). Last evaluated 2025-07-02.

Conditions:
Glycosylphosphatidylinositol biosynthesis defect 15. Also called: DEVELOPMENTAL DELAY, EPILEPSY, CEREBELLAR ATROPHY, AND OSTEOPENIA. Identifiers: Orphanet 529665, MedGen C4540520, MONDO:0060627, OMIM 617810.
Inborn genetic diseases. Identifiers: MedGen C0950123, MeSH D030342.

Allele frequency attached by ClinVar (database versions not stated): ExAC 0.00002; gnomAD exomes 0.00002.

Submissions (4):

Labcorp Genetics (formerly Invitae), Labcorp
Classification: Pathogenic. Last evaluated: 2025-07-02. Review status: criteria provided, single submitter. Criteria: Invitae Variant Classification Sherloc (09022015). Collection method: clinical testing. Allele origin: germline.
Comment: This sequence change creates a premature translational stop signal (p.Arg215*) in the GPAA1 gene. It is expected to result in an absent or disrupted protein product. Loss-of-function variants in GPAA1 are known to be pathogenic (PMID: 29100095). This variant is present in population databases (rs782498857, gnomAD 0.006%). This variant has not been reported in the literature in individuals affected with GPAA1-related conditions. ClinVar contains an entry for this variant (Variation ID: 1324501). For these reasons, this variant has been classified as Pathogenic.

Revvity Omics, Revvity
Classification: Likely pathogenic for Glycosylphosphatidylinositol biosynthesis defect 15. Last evaluated: 2023-09-14. Review status: criteria provided, single submitter. Criteria: ACMG Guidelines, 2015. Collection method: clinical testing. Allele origin: germline.

Department of Pathology and Laboratory Medicine, Sinai Health System
Classification: Likely pathogenic for Glycosylphosphatidylinositol biosynthesis defect 15. Last evaluated: 2022-05-17. Review status: criteria provided, single submitter. Criteria: ACMG Guidelines, 2015. Collection method: research. Allele origin: germline.

Ambry Genetics
Classification: Pathogenic for Inborn genetic diseases. Last evaluated: 2021-04-08. Review status: criteria provided, single submitter. Criteria: Ambry Variant Classification Scheme 2023. Collection method: clinical testing. Allele origin: germline.
Comment: The c.643C>T (p.R215*) alteration, located in exon 6 (coding exon 6) of the GPAA1 gene, consists of a C to T substitution at nucleotide position 643. This changes the amino acid from an arginine (R) to a stop codon at amino acid position 215. This alteration is expected to result in loss of function by premature protein truncation or nonsense-mediated mRNA decay. Based on the available evidence, this alteration is classified as pathogenic.

Literature cited by the submitters: PubMed 29100095 (cited by Labcorp Genetics (formerly Invitae), Labcorp).